The following is an entry in ClinVar:

ClinVar aggregate classification (germline): Pathogenic (1 of 4 stars; one submission).

Conditions:
Familial thoracic aortic aneurysm and aortic dissection (TAAD). Also called: Thoracic aortic aneurysms and dissections. Identifiers: Orphanet 91387, MedGen C4707243, MONDO:0019625.
Marfan syndrome (MFS). Also called: MARFAN SYNDROME, TYPE I; Marfan syndrome type 1; Marfan's syndrome; Marfan syndrome, classic; FBN1-Related Marfan Syndrome. Identifiers: Orphanet 284963, Orphanet 558, MedGen C0024796, MONDO:0007947, OMIM 154700.

Submission:

Labcorp Genetics (formerly Invitae), Labcorp
Classification: Pathogenic for Marfan syndrome; Familial thoracic aortic aneurysm and aortic dissection. Last evaluated: 2022-01-12. Review status: criteria provided, single submitter. Criteria: Invitae Variant Classification Sherloc (09022015). Collection method: clinical testing. Allele origin: germline.
Comment: For these reasons, this variant has been classified as Pathogenic. This variant has not been reported in the literature in individuals affected with FBN1-related conditions. This variant is not present in population databases (gnomAD no frequency). This sequence change creates a premature translational stop signal (p.Cys670Phefs*10) in the FBN1 gene. It is expected to result in an absent or disrupted protein product. Loss-of-function variants in FBN1 are known to be pathogenic (PMID: 17657824, 19293843).

Literature cited by the submitters: PubMed 17657824; PubMed 19293843.

NM_000138.5(FBN1):c.2009_2018delinsTTGGTGCT (p.Cys670fs)

Gene: FBN1 (fibrillin 1; minus strand). Cytogenetic location: 15q21.1.
Variant type: Indel.
Coding change: c.2009_2018delinsTTGGTGCT on transcript NM_000138.5 (MANE Select); coding-DNA positions 2009 to 2018, GTATCAAACC replaced by TTGGTGCT.
Protein change: p.Cys670fs; shifts the reading frame from cysteine 670.
Molecular consequence: frameshift variant.
Genome position (GRCh38, 1-based): chr15:48,503,882-48,503,891, GGTTTGATAC replaced by AGCACCAA on the plus strand (GTATCAAACC replaced by TTGGTGCT on the coding strand, the reverse complement: FBN1 is on the minus strand). VCF-style: chr15-48503882-GGTTTGATAC-AGCACCAA. GRCh37 (hg19) VCF-style: chr15-48796079-GGTTTGATAC-AGCACCAA.
Other names: c.2009_2018delGTATCAAACCinsTTGGTGCT, p.Cys670Phefs (NM_001406716.1); short protein forms C670fs.
Identifiers: ClinVar variation 2081268 (VCV002081268.4), dbSNP rs2505591237, ClinGen allele CA2580089583.
Genomic context (GRCh38, chr15:48,503,882, plus strand): 5'-CCAAATGCATACTCAGTGCTGGCGCAACAGCATTCAGATTTAGTGACAGCACCAAACAAA[GGTTTGATAC>AGCACCAA]ACTGGCCTCTCTTGTATCCACCATAGCATGTGCTCCGCATGTGTGTGTCTAAACAGGAAG-3'